The following is an entry in ClinVar:

NM_000439.5(PCSK1):c.1625A>G (p.Asp542Gly)

Genes: CAST (calpastatin; plus strand), PCSK1 (proprotein convertase subtilisin/kexin type 1; minus strand), LOC101929710 (uncharacterized LOC101929710; plus strand). Cytogenetic location: 5q15.
Variant type: single nucleotide variant.
Coding change: c.1625A>G on transcript NM_000439.5 (MANE Select); coding-DNA position 1625, A replaced by G.
Protein change: p.Asp542Gly; replaces aspartic acid 542 with glycine.
Molecular consequence: missense variant.
Genome position (GRCh38, 1-based): chr5:96,397,433, T>C on the plus strand (A>G on the coding strand, the complement: PCSK1 is on the minus strand). VCF-style: chr5-96397433-T-C. GRCh37 (hg19) VCF-style: chr5-95733137-T-C.
Other names: c.1484A>G, p.Asp495Gly (NM_001177875.2); short protein forms D542G, D495G.
Identifiers: ClinVar variation 450069 (VCV000450069.5), dbSNP rs1327701164, ClinGen allele CA360478579.

ClinVar aggregate classification (germline): Conflicting classifications of pathogenicity. Review status: criteria provided, conflicting classifications (1 of 4 stars). 2 submissions from 2 submitters: Likely pathogenic (1); Uncertain significance (1). Last evaluated 2025-11-03.

Conditions:
PCSK1-related disorder. Also called: PCSK1-related condition.

Allele frequency attached by ClinVar (database versions not stated): gnomAD 0.00001; gnomAD exomes 0.00001 and below 0.00001.
gnomAD v4.1: 8 of 1,612,602 alleles (0.0005%); highest among the groups gnomAD compares: Admixed American, 0.0017%; no homozygotes.

Submissions (2):

PreventionGenetics, part of Exact Sciences
Classification: Likely pathogenic for PCSK1-related condition. Last evaluated: 2025-11-03. Review status: criteria provided, single submitter. Criteria: ACMG Guidelines, 2015. Collection method: clinical testing. Allele origin: germline.
Comment: The PCSK1 c.1625A>G variant is predicted to result in the amino acid substitution p.Asp542Gly. This variant was observed in a cohort of obese individuals, and in vitro functional studies show strong evidence of loss of function (Supplemental Data Set, Shah et al. 2023, PubMed ID: 36864747). This variant is reported in 0.0028% of alleles in individuals of Latino descent in gnomAD. This variant is interpreted as likely pathogenic.

GeneDx
Classification: Uncertain significance. Last evaluated: 2017-06-27. Review status: criteria provided, single submitter. Criteria: GeneDx Variant Classification (06012015). Collection method: clinical testing. Allele origin: germline. Affected: yes.
Comment: The D542G variant in the PCSK1 gene has not been reported previously as a pathogenic variant, nor as a benign variant, to our knowledge. The D542G variant is not observed in large population cohorts (Lek et al., 2016; 1000 Genomes Consortium et al., 2015; Exome Variant Server). The D542G variant is a non-conservative amino acid substitution, which is likely to impact secondary protein structure as these residues differ in polarity, charge, size and/or other properties. This substitution occurs at a position that is conserved across species. In silico analysis predicts this variant is probably damaging to the protein structure/function. We interpret D542G as a variant of uncertain significance.